The following is an entry in ClinVar:

NM_002894.3(RBBP8):c.1739A>T (p.Glu580Val)

Gene: RBBP8 (RB binding protein 8, endonuclease; plus strand). Cytogenetic location: 18q11.2.
Variant type: single nucleotide variant.
Coding change: c.1739A>T on transcript NM_002894.3 (MANE Select); coding-DNA position 1739, A replaced by T.
Protein change: p.Glu580Val; replaces glutamic acid 580 with valine.
Molecular consequence: missense variant.
Genome position (GRCh38, 1-based): chr18:22,993,566, A>T. VCF-style: chr18-22993566-A-T. GRCh37 (hg19) VCF-style: chr18-20573529-A-T.
Other names: c.1739A>T, p.Glu580Val (NM_203291.2, NM_203292.2); short protein forms E580V.
Identifiers: ClinVar variation 3696765 (VCV003696765.2).

ClinVar aggregate classification (germline): Uncertain significance (1 of 4 stars; one submission).

gnomAD v4.1: 25 of 1,613,626 alleles (0.0015%); highest among the groups gnomAD compares: Non-Finnish European, 0.0018%; no homozygotes.

Submission:

Labcorp Genetics (formerly Invitae), Labcorp
Classification: Uncertain significance. Last evaluated: 2024-02-17. Review status: criteria provided, single submitter. Criteria: Invitae Variant Classification Sherloc (09022015). Collection method: clinical testing. Allele origin: germline.
Comment: This sequence change replaces glutamic acid, which is acidic and polar, with valine, which is neutral and non-polar, at codon 580 of the RBBP8 protein (p.Glu580Val). This variant is present in population databases (rs140561443, gnomAD 0.002%). This variant has not been reported in the literature in individuals affected with RBBP8-related conditions. Advanced modeling of protein sequence and biophysical properties (such as structural, functional, and spatial information, amino acid conservation, physicochemical variation, residue mobility, and thermodynamic stability) performed at Invitae indicates that this missense variant is not expected to disrupt RBBP8 protein function with a negative predictive value of 80%. In summary, the available evidence is currently insufficient to determine the role of this variant in disease. Therefore, it has been classified as a Variant of Uncertain Significance.